The following is an entry in ClinVar:

ClinVar aggregate classification (germline): Uncertain significance (1 of 4 stars; one submission).

Allele frequency attached by ClinVar (database versions not stated): TOPMed below 0.00001; gnomAD 0.00001; gnomAD exomes 0.00004 and 0.00008; ExAC 0.00007.

Submission:

Labcorp Genetics (formerly Invitae), Labcorp
Classification: Uncertain significance. Last evaluated: 2021-07-14. Review status: criteria provided, single submitter. Criteria: Invitae Variant Classification Sherloc (09022015). Collection method: clinical testing. Allele origin: germline.
Comment: This sequence change replaces leucine with phenylalanine at codon 92 of the NPR3 protein (p.Leu92Phe). The leucine residue is moderately conserved and there is a small physicochemical difference between leucine and phenylalanine. This variant is present in population databases (rs756559284, ExAC 0.05%). This variant has not been reported in the literature in individuals affected with NPR3-related conditions. Algorithms developed to predict the effect of missense changes on protein structure and function are either unavailable or do not agree on the potential impact of this missense change (SIFT: "Deleterious"; PolyPhen-2: "Benign"; Align-GVGD: "Class C0"). In summary, the available evidence is currently insufficient to determine the role of this variant in disease. Therefore, it has been classified as a Variant of Uncertain Significance.

NM_001204375.2(NPR3):c.274C>T (p.Leu92Phe)

Genes: NPR3 (natriuretic peptide receptor 3; plus strand), LOC123493284 (Sharpr-MPRA regulatory region 158; plus strand). Cytogenetic location: 5p13.3.
Variant type: single nucleotide variant.
Coding change: c.274C>T on transcript NM_001204375.2 (MANE Select); coding-DNA position 274, C replaced by T.
Protein change: p.Leu92Phe; replaces leucine 92 with phenylalanine.
Molecular consequence: missense variant. On other transcripts: intron variant (4).
Genome position (GRCh38, 1-based): chr5:32,712,050, C>T. VCF-style: chr5-32712050-C-T. GRCh37 (hg19) VCF-style: chr5-32712156-C-T.
Other names: c.274C>T, p.Leu92Phe (NM_000908.4); c.50-12648C>T (NM_001364458.2); c.121+1267C>T (NM_001363652.2, NM_001204376.2, NM_001364460.2); short protein forms L92F.
Identifiers: ClinVar variation 1444170 (VCV001444170.8), dbSNP rs756559284, ClinGen allele CA3222345.